The following is an entry in ClinVar:

NM_002103.5(GYS1):c.438C>T (p.Arg146=)

Gene: GYS1 (glycogen synthase 1; minus strand). Cytogenetic location: 19q13.33.
Variant type: single nucleotide variant.
Coding change: c.438C>T on transcript NM_002103.5 (MANE Select); coding-DNA position 438, C replaced by T.
Protein change: p.Arg146=; no amino-acid change (arginine 146 retained).
Molecular consequence: synonymous variant. On other transcripts: non-coding transcript variant (1), intron variant (1).
Genome position (GRCh38, 1-based): chr19:48,987,248, G>A on the plus strand (C>T on the coding strand, the complement: GYS1 is on the minus strand). VCF-style: chr19-48987248-G-A. GRCh37 (hg19) VCF-style: chr19-49490505-G-A.
Other names: c.301-1213C>T (NM_001161587.2); c.438C>T (NM_002103.4).
Identifiers: ClinVar variation 1010584 (VCV001010584.10), dbSNP rs1395632551, ClinGen allele CA508088516.

ClinVar aggregate classification (germline): Likely benign. Review status: criteria provided, single submitter (1 of 4 stars). 2 submissions from 2 submitters: Likely benign (1). 1 of the submissions does not count toward it. Last evaluated 2025-06-02.

Conditions:
Glycogen storage disease due to muscle and heart glycogen synthase deficiency. Also called: GSD 0b; MUSCLE GLYCOGEN SYNTHASE DEFICIENCY. Identifiers: Orphanet 137625, MedGen C1969054, MONDO:0012693, OMIM 611556.
GYS1-related disorder. Also called: GYS1-related condition.

Allele frequency attached by ClinVar (database versions not stated): gnomAD exomes below 0.00001; gnomAD 0.00001; TOPMed 0.00001.
gnomAD v4.1: 8 of 1,613,430 alleles (0.0005%); highest among the groups gnomAD compares: East Asian, 0.0045%; no homozygotes.

Submissions (2):

Labcorp Genetics (formerly Invitae), Labcorp
Classification: Likely benign for Glycogen storage disease due to muscle and heart glycogen synthase deficiency. Last evaluated: 2025-06-02. Review status: criteria provided, single submitter. Criteria: Invitae Variant Classification Sherloc (09022015). Collection method: clinical testing. Allele origin: germline.

PreventionGenetics, part of Exact Sciences
Classification: Likely benign for GYS1-related condition. Last evaluated: 2023-08-05. Review status: no assertion criteria provided. Collection method: clinical testing. Allele origin: germline. Not counted in ClinVar's aggregate classification.
Comment: This variant is classified as likely benign based on ACMG/AMP sequence variant interpretation guidelines (Richards et al. 2015 PMID: 25741868, with internal and published modifications).